The following is an entry in ClinVar:

NC_012920.1(MT-ATP6):m.9007A>G

Gene: MT-ATP6 (mitochondrially encoded ATP synthase 6; plus strand).
Variant type: single nucleotide variant.
Genome position: chrM-9007-A-G.
Identifiers: ClinVar variation 693051 (VCV000693051.1), dbSNP rs1603221973, ClinGen allele CA414801839.
Genomic context (GRCh38, chrMT:9,007, plus strand): 5'-CTAGTTATTATCGAAACCATCAGCCTACTCATTCAACCAATAGCCCTGGCCGTACGCCTA[A>G]CCGCTAACATTACTGCAGGCCACCTACTCATGCACCTAATTGGAAGCGCCACCCTAGCAA-3'

ClinVar aggregate classification (germline): Benign (1 of 4 stars; one submission).

Conditions:
Leigh syndrome (NULS). Also called: Leigh's necrotizing encephalopathy; Leigh's disease; Leigh Syndrome (mtDNA deletion); Leigh Disease; Subacute necrotizing encephalopathy; Necrotizing encephalopathy infantile subacute of Leigh. Identifiers: Orphanet 506, MedGen C2931891, MONDO:0009723, OMIM 256000.

Submission:

Wong Mito Lab, Molecular and Human Genetics, Baylor College of Medicine
Classification: Benign for Leigh syndrome. Last evaluated: 2019-10-17. Review status: criteria provided, single submitter. Criteria: Modified ACMG Guidelines (Unpublished). Collection method: clinical testing. Allele origin: germline.
Comment: The NC_012920.1:m.9007A>G (YP_003024031.1:p.Thr161Ala) variant in MTATP6 gene is interpretated to be a Benign variant based on the modified ACMG guidelines (unpublished). This variant meets the following evidence codes: BS1, BS4